The following is an entry in ClinVar:

NM_000264.5(PTCH1):c.1681A>C (p.Met561Leu)

Gene: PTCH1 (patched 1; minus strand). Cytogenetic location: 9q22.32.
Variant type: single nucleotide variant.
Coding change: c.1681A>C on transcript NM_000264.5 (MANE Select); coding-DNA position 1681, A replaced by C.
Protein change: p.Met561Leu; replaces methionine 561 with leucine.
Molecular consequence: missense variant. On other transcripts: non-coding transcript variant (1).
Genome position (GRCh38, 1-based): chr9:95,476,081, T>G on the plus strand (A>C on the coding strand, the complement: PTCH1 is on the minus strand). VCF-style: chr9-95476081-T-G. GRCh37 (hg19) VCF-style: chr9-98238363-T-G.
Other names: c.1483A>C, p.Met495Leu (NM_001083602.3); c.1678A>C, p.Met560Leu (NM_001083603.3); c.1228A>C, p.Met410Leu (NM_001083604.3, NM_001083605.3, NM_001083606.3 and 1 more transcripts); c.1525A>C, p.Met509Leu (NM_001354918.2); short protein forms M410L, M495L, M509L, M560L, M561L.
Identifiers: ClinVar variation 4801803 (VCV004801803.2).

ClinVar aggregate classification (germline): Uncertain significance. Review status: criteria provided, multiple submitters, no conflicts (2 of 4 stars). 2 submissions from 2 submitters: Uncertain significance (2). Last evaluated 2026-03-09.

Conditions:
Gorlin syndrome. Also called: Nevoid Basal Cell Carcinoma Syndrome; Basal cell nevus syndrome. Identifiers: Orphanet 377, MedGen C0004779, MONDO:0007187.
Hereditary cancer-predisposing syndrome. Also called: Neoplastic Syndromes, Hereditary; Hereditary neoplastic syndrome; Tumor predisposition; Hereditary Cancer Syndrome. Identifiers: Orphanet 140162, MedGen C0027672, MeSH D009386, MONDO:0015356.

gnomAD v4.1: 1 of 1,613,994 alleles (0.000062%); highest among the groups gnomAD compares: South Asian, 0.0011%; no homozygotes.

Submissions (2):

Ambry Genetics
Classification: Uncertain significance for Hereditary cancer-predisposing syndrome. Last evaluated: 2026-03-09. Review status: criteria provided, single submitter. Criteria: Ambry Variant Classification Scheme 2023. Collection method: clinical testing. Allele origin: germline.
Comment: The p.M561L variant (also known as c.1681A>C), located in coding exon 12 of the PTCH1 gene, results from an A to C substitution at nucleotide position 1681. The methionine at codon 561 is replaced by leucine, an amino acid with highly similar properties. This amino acid position is conserved. In addition, this alteration is predicted to be deleterious by in silico analysis. Based on the available evidence, the clinical significance of this variant remains unclear.

Labcorp Genetics (formerly Invitae), Labcorp
Classification: Uncertain significance for Gorlin syndrome. Last evaluated: 2026-01-13. Review status: criteria provided, single submitter. Criteria: Invitae Variant Classification Sherloc (09022015). Collection method: clinical testing. Allele origin: germline.
Comment: This sequence change replaces methionine, which is neutral and non-polar, with leucine, which is neutral and non-polar, at codon 561 of the PTCH1 protein (p.Met561Leu). This variant is not present in population databases (gnomAD no frequency). This variant has not been reported in the literature in individuals affected with PTCH1-related conditions. Invitae Evidence Modeling of protein sequence and biophysical properties (such as structural, functional, and spatial information, amino acid conservation, physicochemical variation, residue mobility, and thermodynamic stability) indicates that this missense variant is not expected to disrupt PTCH1 protein function with a negative predictive value of 95%. In summary, the available evidence is currently insufficient to determine the role of this variant in disease. Therefore, it has been classified as a Variant of Uncertain Significance.